The following is an entry in ClinVar:

NM_031443.4(CCM2):c.984G>A (p.Gly328=)

Gene: CCM2 (CCM2 scaffold protein; plus strand). Cytogenetic location: 7p13.
Variant type: single nucleotide variant.
Coding change: c.984G>A on transcript NM_031443.4 (MANE Select); coding-DNA position 984, G replaced by A.
Protein change: p.Gly328=; no amino-acid change (glycine 328 retained).
Molecular consequence: synonymous variant. On other transcripts: non-coding transcript variant (1).
Genome position (GRCh38, 1-based): chr7:45,074,338, G>A. VCF-style: chr7-45074338-G-A. GRCh37 (hg19) VCF-style: chr7-45113937-G-A.
Other names: p.Gly328=; c.1047G>A, p.Gly349= (NM_001029835.2); c.810G>A, p.Gly270= (NM_001167934.2); c.711G>A, p.Gly237= (NM_001167935.2); c.1107G>A, p.Gly369= (NM_001363458.2); c.933G>A, p.Gly311= (NM_001363459.2).
Identifiers: ClinVar variation 698207 (VCV000698207.21), dbSNP rs112504276, ClinGen allele CA4247227.

ClinVar aggregate classification (germline): Benign/Likely benign. Review status: criteria provided, multiple submitters, no conflicts (2 of 4 stars). 5 submissions from 5 submitters: Benign (2); Likely benign (3). Last evaluated 2026-01-19.

Conditions:
Cerebral cavernous malformation 2. Also called: Familial Cerebral Cavernous Malformation 2. Identifiers: Orphanet 221061, MedGen C1864041, MONDO:0011304, OMIM 603284.
Inborn genetic diseases. Identifiers: MedGen C0950123, MeSH D030342.

Allele frequency attached by ClinVar (database versions not stated): gnomAD exomes 0.00068 and 0.00178; ExAC 0.00200; 1000 Genomes Project 0.00599; 1000 Genomes Project 30x 0.00625; gnomAD 0.00678 and 0.00732; ESP Exome Variant Server 0.00784; TOPMed 0.00793.
gnomAD v4.1: 2,080 of 1,613,780 alleles (0.13%); highest among the groups gnomAD compares: African/African-American, 2.4%; 24 homozygotes.

Submissions (5):

Labcorp Genetics (formerly Invitae), Labcorp
Classification: Benign for Cerebral cavernous malformation 2. Last evaluated: 2026-01-19. Review status: criteria provided, single submitter. Criteria: Invitae Variant Classification Sherloc (09022015). Collection method: clinical testing. Allele origin: germline.

Mayo Clinic Laboratories, Mayo Clinic
Classification: Likely benign. Last evaluated: 2025-03-28. Review status: criteria provided, single submitter. Criteria: ACMG Guidelines, 2015. Collection method: clinical testing. Allele origin: germline. Observed: 11 variant alleles.
Comment: BS1, BP4, BP7

Fulgent Genetics
Classification: Likely benign for Cerebral cavernous malformation 2. Last evaluated: 2022-05-11. Review status: criteria provided, single submitter. Criteria: ACMG Guidelines, 2015. Collection method: clinical testing. Allele origin: unknown.

Ambry Genetics
Classification: Likely benign for Inborn genetic diseases. Last evaluated: 2022-03-03. Review status: criteria provided, single submitter. Criteria: Ambry Variant Classification Scheme 2023. Collection method: clinical testing. Allele origin: germline.

ARUP Laboratories, Molecular Genetics and Genomics, ARUP Laboratories
Classification: Benign for Cerebral cavernous malformation 2. Last evaluated: 2021-01-12. Review status: criteria provided, single submitter. Criteria: ARUP Molecular Germline Variant Investigation Process 2021. Collection method: clinical testing. Allele origin: germline.